The following is an entry in ClinVar:

ClinVar aggregate classification (germline): Uncertain significance (1 of 4 stars; one submission).

Allele frequency attached by ClinVar (database versions not stated): TOPMed 0.00001; ExAC 0.00002; gnomAD 0.00002.

Submission:

Labcorp Genetics (formerly Invitae), Labcorp
Classification: Uncertain significance. Last evaluated: 2023-08-14. Review status: criteria provided, single submitter. Criteria: Invitae Variant Classification Sherloc (09022015). Collection method: clinical testing. Allele origin: germline.
Comment: This sequence change replaces alanine, which is neutral and non-polar, with valine, which is neutral and non-polar, at codon 6 of the CA4 protein (p.Ala6Val). The frequency data for this variant in the population databases is considered unreliable, as metrics indicate poor data quality at this position in the gnomAD database. This variant has not been reported in the literature in individuals affected with CA4-related conditions. Algorithms developed to predict the effect of missense changes on protein structure and function output the following: SIFT: "Not Available"; PolyPhen-2: "Possibly Damaging"; Align-GVGD: "Not Available". The valine amino acid residue is found in multiple mammalian species, which suggests that this missense change does not adversely affect protein function. In summary, the available evidence is currently insufficient to determine the role of this variant in disease. Therefore, it has been classified as a Variant of Uncertain Significance.

NM_000717.5(CA4):c.17C>T (p.Ala6Val)

Gene: CA4 (carbonic anhydrase 4; plus strand). Cytogenetic location: 17q23.1.
Variant type: single nucleotide variant.
Coding change: c.17C>T on transcript NM_000717.5 (MANE Select); coding-DNA position 17, C replaced by T.
Protein change: p.Ala6Val; replaces alanine 6 with valine.
Molecular consequence: missense variant. On other transcripts: non-coding transcript variant (1).
Genome position (GRCh38, 1-based): chr17:60,150,051, C>T. VCF-style: chr17-60150051-C-T. GRCh37 (hg19) VCF-style: chr17-58227412-C-T.
Other names: short protein forms A6V.
Identifiers: ClinVar variation 2803344 (VCV002803344.3), dbSNP rs761188097, ClinGen allele CA8685177.
Genomic context (GRCh38, chr17:60,150,051, plus strand): 5'-GGTGCGCGACCCCCGGCTCAGAGGACTCTTTGCTGTCCCGCAAGATGCGGATGCTGCTGG[C>T]GCTCCTGGCCCTCTCCGCGGCGCGGCCATCGGCCAGTGCAGGTGAGCTCCCGGGCTCCGG-3'
Protein context (NP_000708.1, residues 1-16): MRMLL[Ala6Val]LLALSAARPS